The following is an entry in ClinVar:

NM_032888.4(COL27A1):c.2823G>C (p.Gln941His)

Gene: COL27A1 (collagen type XXVII alpha 1 chain; plus strand). Cytogenetic location: 9q32.
Variant type: single nucleotide variant.
Coding change: c.2823G>C on transcript NM_032888.4 (MANE Select); coding-DNA position 2823, G replaced by C.
Protein change: p.Gln941His; replaces glutamine 941 with histidine.
Molecular consequence: missense variant.
Genome position (GRCh38, 1-based): chr9:114,240,475, G>C. VCF-style: chr9-114240475-G-C. GRCh37 (hg19) VCF-style: chr9-117002755-G-C.
Other names: short protein forms Q941H.
Identifiers: ClinVar variation 1356824 (VCV001356824.8), dbSNP rs2135475521, ClinGen allele CA374591166.

ClinVar aggregate classification (germline): Uncertain significance (1 of 4 stars; one submission).

Submission:

Labcorp Genetics (formerly Invitae), Labcorp
Classification: Uncertain significance. Last evaluated: 2021-05-28. Review status: criteria provided, single submitter. Criteria: Invitae Variant Classification Sherloc (09022015). Collection method: clinical testing. Allele origin: germline.
Comment: In summary, the available evidence is currently insufficient to determine the role of this variant in disease. Therefore, it has been classified as a Variant of Uncertain Significance. Advanced modeling of protein sequence and biophysical properties (such as structural, functional, and spatial information, amino acid conservation, physicochemical variation, residue mobility, and thermodynamic stability) performed at Invitae indicates that this missense variant is not expected to disrupt COL27A1 protein function. This variant has not been reported in the literature in individuals with COL27A1-related conditions. This variant is not present in population databases (ExAC no frequency). This sequence change replaces glutamine with histidine at codon 941 of the COL27A1 protein (p.Gln941His). The glutamine residue is highly conserved and there is a small physicochemical difference between glutamine and histidine.